The following is an entry in ClinVar:

NM_000179.3(MSH6):c.2692C>G (p.Pro898Ala)

Gene: MSH6 (mutS homolog 6; plus strand). Cytogenetic location: 2p16.3.
Variant type: single nucleotide variant.
Coding change: c.2692C>G on transcript NM_000179.3 (MANE Select); coding-DNA position 2692, C replaced by G.
Protein change: p.Pro898Ala; replaces proline 898 with alanine.
Molecular consequence: missense variant. On other transcripts: non-coding transcript variant (5), intron variant (2).
Genome position (GRCh38, 1-based): chr2:47,800,675, C>G. VCF-style: chr2-47800675-C-G. GRCh37 (hg19) VCF-style: chr2-48027814-C-G.
Other names: c.1786C>G, p.Pro596Ala (NM_001406812.1, NM_001406814.1, NM_001406816.1 and 6 more transcripts); c.2698C>G, p.Pro900Ala (NM_001406813.1); c.2302C>G, p.Pro768Ala (NM_001281492.2); c.2395C>G, p.Pro799Ala (NM_001406818.1, NM_001406819.1, NM_001406820.1 and 10 more transcripts); c.2524C>G, p.Pro842Ala (NM_001406826.1); c.2788C>G, p.Pro930Ala (NM_001406795.1, NM_001406802.1); c.2692C>G, p.Pro898Ala (NM_001406796.1, NM_001406798.1, NM_001406800.1 and 2 more transcripts); c.2167C>G, p.Pro723Ala (NM_001406799.1, NM_001406806.1, NM_001406807.1); and 4 more; short protein forms P842A, P898A, P213A, P596A, P723A, P872A, P768A, P799A.
Identifiers: ClinVar variation 3913739 (VCV003913739.2).
Genomic context (GRCh38, chr2:47,800,675, plus strand): 5'-GTTGCTGATGGTTTTAAGTCTAAAATCCTTAAGCAGGTCATCTCTCTGCAGACAAAAAAT[C>G]CTGAAGGTCGTTTTCCTGATTTGACTGTAGAATTGAACCGATGGGATACAGCCTTTGACC-3'
Protein context (NP_000170.1, residues 888-908): KQVISLQTKN[Pro898Ala]EGRFPDLTVE

ClinVar aggregate classification (germline): Uncertain significance (1 of 4 stars; one submission).

Conditions:
Hereditary cancer-predisposing syndrome. Also called: Hereditary Cancer Syndrome; Hereditary neoplastic syndrome; Neoplastic Syndromes, Hereditary; Tumor predisposition. Identifiers: Orphanet 140162, MedGen C0027672, MeSH D009386, MONDO:0015356.

gnomAD v4.1: 1 of 1,614,114 alleles (0.000062%); highest among the groups gnomAD compares: Non-Finnish European, 0.000085%; no homozygotes.

Submission:

Ambry Genetics
Classification: Uncertain significance for Hereditary cancer-predisposing syndrome. Last evaluated: 2025-09-28. Review status: criteria provided, single submitter. Criteria: Ambry Variant Classification Scheme 2023. Collection method: clinical testing. Allele origin: germline.
Comment: The p.P898A variant (also known as c.2692C>G), located in coding exon 4 of the MSH6 gene, results from a C to G substitution at nucleotide position 2692. The proline at codon 898 is replaced by alanine, an amino acid with highly similar properties. This amino acid position is conserved. In addition, the in silico prediction for this alteration is inconclusive. Based on the available evidence, the clinical significance of this variant remains unclear.